The following is an entry in ClinVar:

NM_021939.4(FKBP10):c.327G>A (p.Met109Ile)

Gene: FKBP10 (FKBP prolyl isomerase 10; plus strand). Cytogenetic location: 17q21.2.
Variant type: single nucleotide variant.
Coding change: c.327G>A on transcript NM_021939.4 (MANE Select); coding-DNA position 327, G replaced by A.
Protein change: p.Met109Ile; replaces methionine 109 with isoleucine.
Molecular consequence: missense variant.
Genome position (GRCh38, 1-based): chr17:41,817,139, G>A. VCF-style: chr17-41817139-G-A. GRCh37 (hg19) VCF-style: chr17-39973391-G-A.
Other names: short protein forms M109I.
Identifiers: ClinVar variation 3769768 (VCV003769768.1).
Genomic context (GRCh38, chr17:41,817,139, plus strand): 5'-GGCCATCGTGGTGGGTGTGGGGCGCCTCATCACTGGCATGGACCGAGGCCTCATGGGCAT[G>A]TGTGTCAACGAGCGGCGACGCCTCATTGTGCCTCCCCACCTGGGCTATGGGAGCATCGGC-3'
Protein context (NP_068758.3, residues 99-119): ITGMDRGLMG[Met109Ile]CVNERRRLIV

ClinVar aggregate classification (germline): Uncertain significance (1 of 4 stars; one submission).

Submission:

GeneDx
Classification: Uncertain significance. Last evaluated: 2024-09-16. Review status: criteria provided, single submitter. Criteria: GeneDx Variant Classification Process June 2021. Collection method: clinical testing. Allele origin: germline. Affected: yes.
Comment: Not observed at significant frequency in large population cohorts (gnomAD); In silico analysis supports that this missense variant has a deleterious effect on protein structure/function; Has not been previously published as pathogenic or benign to our knowledge